The following is an entry in ClinVar:

NM_002291.3(LAMB1):c.1698+179A>C

Gene: LAMB1 (laminin subunit beta 1; minus strand). Cytogenetic location: 7q31.1.
Variant type: single nucleotide variant.
Coding change: c.1698+179A>C on transcript NM_002291.3 (MANE Select); 179 bases into the intron after coding-DNA position 1698, A replaced by C.
Molecular consequence: intron variant.
Genome position (GRCh38, 1-based): chr7:107,964,373, T>G on the plus strand (A>C on the coding strand, the complement: LAMB1 is on the minus strand). VCF-style: chr7-107964373-T-G. GRCh37 (hg19) VCF-style: chr7-107604818-T-G.
Identifiers: ClinVar variation 682972 (VCV000682972.1), dbSNP rs1548638, ClinGen allele CA15493522.

ClinVar aggregate classification (germline): Benign (1 of 4 stars; one submission).

Allele frequency attached by ClinVar (database versions not stated): TOPMed 0.60036; gnomAD 0.60066 and 0.60210; 1000 Genomes Project 0.60942; 1000 Genomes Project 30x 0.61305.
gnomAD v4.1: 91,666 of 152,080 alleles (60%); highest among the groups gnomAD compares: East Asian, 69%; 27,871 homozygotes.

Submission:

GeneDx
Classification: Benign. Last evaluated: 2018-06-19. Review status: criteria provided, single submitter. Criteria: GeneDx Variant Classification (06012015). Collection method: clinical testing. Allele origin: germline. Affected: yes.
Comment: This variant is considered likely benign or benign based on one or more of the following criteria: it is a conservative change, it occurs at a poorly conserved position in the protein, it is predicted to be benign by multiple in silico algorithms, and/or has population frequency not consistent with disease.